The following is an entry in ClinVar:

ClinVar aggregate classification (germline): Uncertain significance. Review status: criteria provided, multiple submitters, no conflicts (2 of 4 stars). 2 submissions from 2 submitters: Uncertain significance (2). Last evaluated 2022-06-15.

Conditions:
Familial thoracic aortic aneurysm and aortic dissection (TAAD). Also called: Thoracic aortic aneurysms and dissections. Identifiers: Orphanet 91387, MedGen C4707243, MONDO:0019625.

Allele frequency attached by ClinVar (database versions not stated): gnomAD exomes below 0.00001.
gnomAD v4.1: 1 of 1,613,210 alleles (0.000062%); highest among the groups gnomAD compares: African/African-American, 0.0013%; no homozygotes.

Submissions (2):

Blueprint Genetics
Classification: Uncertain significance. Last evaluated: 2022-06-15. Review status: criteria provided, single submitter. Criteria: ACMG Guidelines, 2015. Collection method: clinical testing. Allele origin: germline.

Labcorp Genetics (formerly Invitae), Labcorp
Classification: Uncertain significance for Familial thoracic aortic aneurysm and aortic dissection. Last evaluated: 2022-03-08. Review status: criteria provided, single submitter. Criteria: Invitae Variant Classification Sherloc (09022015). Collection method: clinical testing. Allele origin: germline.
Comment: This sequence change replaces serine, which is neutral and polar, with threonine, which is neutral and polar, at codon 383 of the TGFBR2 protein (p.Ser383Thr). This variant is not present in population databases (gnomAD no frequency). This variant has not been reported in the literature in individuals affected with TGFBR2-related conditions. Advanced modeling of protein sequence and biophysical properties (such as structural, functional, and spatial information, amino acid conservation, physicochemical variation, residue mobility, and thermodynamic stability) performed at Invitae indicates that this missense variant is not expected to disrupt TGFBR2 protein function. In summary, the available evidence is currently insufficient to determine the role of this variant in disease. Therefore, it has been classified as a Variant of Uncertain Significance.

NM_003242.6(TGFBR2):c.1147T>A (p.Ser383Thr)

Gene: TGFBR2 (transforming growth factor beta receptor 2; plus strand). Cytogenetic location: 3p24.1.
Variant type: single nucleotide variant.
Coding change: c.1147T>A on transcript NM_003242.6 (MANE Select); coding-DNA position 1147, T replaced by A.
Protein change: p.Ser383Thr; replaces serine 383 with threonine.
Molecular consequence: missense variant.
Genome position (GRCh38, 1-based): chr3:30,672,330, T>A. VCF-style: chr3-30672330-T-A. GRCh37 (hg19) VCF-style: chr3-30713822-T-A.
Other names: c.1222T>A, p.Ser408Thr (NM_001024847.3); c.1330T>A, p.Ser444Thr (NM_001407126.1); c.1255T>A, p.Ser419Thr (NM_001407127.1); c.1174T>A, p.Ser392Thr (NM_001407128.1); c.1150T>A, p.Ser384Thr (NM_001407129.1); c.1147T>A, p.Ser383Thr (NM_001407130.1); c.1042T>A, p.Ser348Thr (NM_001407132.1, NM_001407133.1, NM_001407134.1 and 2 more transcripts); c.862T>A, p.Ser288Thr (NM_001407137.1); and 1 more; short protein forms S263T, S288T, S408T, S348T, S419T, S384T, S392T, S383T.
Identifiers: ClinVar variation 2164460 (VCV002164460.4), dbSNP rs1699358635, ClinGen allele CA351808641.